The following is an entry in ClinVar:

NM_000170.3(GLDC):c.1319T>A (p.Ile440Asn)

Gene: GLDC (glycine decarboxylase; minus strand). Cytogenetic location: 9p24.1.
Variant type: single nucleotide variant.
Coding change: c.1319T>A on transcript NM_000170.3 (MANE Select); coding-DNA position 1319, T replaced by A.
Protein change: p.Ile440Asn; replaces isoleucine 440 with asparagine.
Molecular consequence: missense variant.
Genome position (GRCh38, 1-based): chr9:6,592,933, A>T on the plus strand (T>A on the coding strand, the complement: GLDC is on the minus strand). VCF-style: chr9-6592933-A-T. GRCh37 (hg19) VCF-style: chr9-6592933-A-T.
Other names: short protein forms I440N.
Identifiers: ClinVar variation 56042 (VCV000056042.2), dbSNP rs386833523, ClinGen allele CA263291.

ClinVar aggregate classification (germline): Likely pathogenic (0 of 4 stars; one submission).

Conditions:
Glycine encephalopathy. Also called: Nonketotic hyperglycinemia; Non-ketotic hyperglycinemia. Identifiers: Orphanet 407, MedGen C0751748, MONDO:0011612, HP:0008288.

Submission:

Juha Muilu Group; Institute for Molecular Medicine Finland (FIMM)
Classification: Likely pathogenic for Non-ketotic hyperglycinemia. Review status: no assertion criteria provided. Collection method: not provided. Allele origin: unknown.
Comment: FinDis database variant: This variant was not found or characterized by our laboratory, data were collected from public sources: see reference
ClinVar note: Converted during submission from probable-pathogenic to Likely pathogenic.